The following is an entry in ClinVar:

ClinVar aggregate classification (germline): Likely pathogenic (1 of 4 stars; one submission).

Submission:

GeneDx
Classification: Likely pathogenic. Last evaluated: 2026-09-15. Review status: criteria provided, single submitter. Criteria: GeneDx Variant Classification Process June 2021. Collection method: clinical testing. Allele origin: germline.
Comment: Frameshift variant predicted to result in protein truncation or nonsense mediated decay in a gene for which loss of function is a known mechanism of disease; Not observed at significant frequency in large population cohorts (gnomAD); Has not been previously published as pathogenic or benign to our knowledge

NM_030962.4(SBF2):c.659_660del (p.Thr220fs)

Gene: SBF2 (SET binding factor 2; minus strand). Cytogenetic location: 11p15.4.
Variant type: Microsatellite.
Coding change: c.659_660del on transcript NM_030962.4 (MANE Select); coding-DNA positions 659 to 660, 2 bases deleted (CA; older notation c.659_660delCA).
Protein change: p.Thr220fs; shifts the reading frame from threonine 220.
Molecular consequence: frameshift variant.
Genome position (GRCh38, 1-based): chr11:10,002,649-10,002,650, TG deleted on the plus strand (CA on the coding strand, the reverse complement: SBF2 is on the minus strand); deleting any 2 consecutive bases within chr11:10,002,649-10,002,652 gives the same sequence; the c. name uses the placement nearest the transcript's 3' end. VCF-style (leftmost placement, unchanged base first): chr11-10002648-CTG-C. GRCh37 (hg19) VCF-style: chr11-10024195-CTG-C.
Other names: c.659_660del, p.Thr220fs (NM_001386339.1, NM_001386342.1); c.695_696del, p.Thr232fs (NM_001424318.1, NM_001425069.1, NM_001425070.1); c.657_658CA[1], p.Thr220Argfs (NM_030962.3); c.659_660del (NM_030962.3); short protein forms T220fs, T232fs.
Identifiers: ClinVar variation 4538980 (VCV004538980.2).